The following is an entry in ClinVar:

NM_025099.6(CTC1):c.648-9C>T

Gene: CTC1 (CST telomere replication complex component 1; minus strand). Cytogenetic location: 17p13.1.
Variant type: single nucleotide variant.
Coding change: c.648-9C>T on transcript NM_025099.6 (MANE Select); 9 bases into the intron before coding-DNA position 648, C replaced by T.
Molecular consequence: intron variant.
Genome position (GRCh38, 1-based): chr17:8,237,528, G>A on the plus strand (C>T on the coding strand, the complement: CTC1 is on the minus strand). VCF-style: chr17-8237528-G-A. GRCh37 (hg19) VCF-style: chr17-8140846-G-A.
Identifiers: ClinVar variation 1082473 (VCV001082473.11), dbSNP rs779778738, ClinGen allele CA8372575.

ClinVar aggregate classification (germline): Conflicting classifications of pathogenicity. Review status: criteria provided, conflicting classifications (1 of 4 stars). 3 submissions from 3 submitters: Uncertain significance (1); Likely benign (2). Last evaluated 2024-02-19.

Conditions:
Dyskeratosis congenita. Identifiers: Orphanet 1775, MedGen C0265965, MONDO:0015780.

Allele frequency attached by ClinVar (database versions not stated): gnomAD exomes 0.00002 and 0.00005; TOPMed 0.00003; ExAC 0.00004; gnomAD 0.00005.
gnomAD v4.1: 31 of 1,613,500 alleles (0.0019%); highest among the groups gnomAD compares: Admixed American, 0.005%; no homozygotes.

Submissions (3):

Labcorp Genetics (formerly Invitae), Labcorp
Classification: Likely benign for Dyskeratosis congenita. Last evaluated: 2024-02-19. Review status: criteria provided, single submitter. Criteria: Invitae Variant Classification Sherloc (09022015). Collection method: clinical testing. Allele origin: germline.

Blueprint Genetics
Classification: Likely benign. Last evaluated: 2022-01-13. Review status: criteria provided, single submitter. Criteria: ACMG Guidelines, 2015. Collection method: clinical testing. Allele origin: germline.

Sema4
Classification: Uncertain significance for Dyskeratosis congenita. Last evaluated: 2021-04-19. Review status: criteria provided, single submitter. Criteria: Sema4 Curation Guidelines. Collection method: curation. Allele origin: germline.
Comment: The CTC1 c.648-9C>T variant has not been reported in the literature to our knowledge. It was observed in 7/24900 chromosomes of the Finnish subpopulation in the large and broad cohorts of the Genome Aggregation Database. The variant has not been reported in ClinVar. In silico tools suggest the impact of the variant on splicing is benign, though these predictions have not been confirmed by functional studies. The evidence is insufficient to meet ACMG/AMP criteria for classifying the variant as benign or pathogenic. Thus, the clinical significance of this variant is currently uncertain.